The following is an entry in ClinVar:

ClinVar aggregate classification (germline): Benign/Likely benign. Review status: criteria provided, multiple submitters, no conflicts (2 of 4 stars). 2 submissions from 2 submitters: Benign (1); Likely benign (1). Last evaluated 2025-07-30.

Conditions:
Pheochromocytoma/paraganglioma syndrome 5. Also called: Paragangliomas 5; SDHA-Related Hereditary Paraganglioma-Pheochromocytoma Syndrome. Identifiers: Orphanet 29072, MedGen C3279992, MONDO:0013602, OMIM 614165.
Mitochondrial complex II deficiency, nuclear type 1. Also called: SUCCINATE CoQ REDUCTASE DEFICIENCY. Identifiers: Orphanet 3208, MedGen C5700310, MONDO:0100294, OMIM 252011.

Submissions (2):

Labcorp Genetics (formerly Invitae), Labcorp
Classification: Likely benign for Pheochromocytoma/paraganglioma syndrome 5; Mitochondrial complex II deficiency, nuclear type 1. Last evaluated: 2025-07-30. Review status: criteria provided, single submitter. Criteria: Invitae Variant Classification Sherloc (09022015). Collection method: clinical testing. Allele origin: germline.

Myriad Genetics, Inc.
Classification: Benign for Pheochromocytoma/paraganglioma syndrome 5. Last evaluated: 2025-03-10. Review status: criteria provided, single submitter. Criteria: Myriad Autosomal Dominant, Autosomal Recessive and X-Linked Classification Criteria (2023). Collection method: clinical testing. Allele origin: unknown.
Comment: This variant is considered benign. This variant is a silent/synonymous amino acid change and it is not expected to impact splicing.

NM_004168.4(SDHA):c.1386C>G (p.Val462=)

Gene: SDHA (succinate dehydrogenase complex flavoprotein subunit A; plus strand). Cytogenetic location: 5p15.33.
Variant type: single nucleotide variant.
Coding change: c.1386C>G on transcript NM_004168.4 (MANE Select); coding-DNA position 1386, C replaced by G.
Protein change: p.Val462=; no amino-acid change (valine 462 retained).
Molecular consequence: synonymous variant.
Genome position (GRCh38, 1-based): chr5:236,553, C>G. VCF-style: chr5-236553-C-G. GRCh37 (hg19) VCF-style: chr5-236668-C-G.
Other names: c.1242C>G, p.Val414= (NM_001294332.2); c.1386C>G, p.Val462= (NM_001330758.2).
Identifiers: ClinVar variation 2944156 (VCV002944156.4), dbSNP rs2126590349, ClinGen allele CA442692135.